The following is an entry in ClinVar:

ClinVar aggregate classification (germline): Likely benign (1 of 4 stars; one submission).

gnomAD v4.1: 2 of 1,609,562 alleles (0.00012%); highest among the groups gnomAD compares: Non-Finnish European, 0.000085%; no homozygotes.

Submission:

CeGaT Center for Human Genetics Tuebingen
Classification: Likely benign. Last evaluated: 2025-07-01. Review status: criteria provided, single submitter. Criteria: CeGaT Center For Human Genetics Tuebingen Variant Classification Criteria Version 2. Collection method: clinical testing. Allele origin: germline. Affected: yes. Observed: 1 variant allele.
Comment: GLI2: BP4, BP7

NM_001374353.1(GLI2):c.3093G>A (p.Gly1031=)

Gene: GLI2 (GLI family zinc finger 2; plus strand). Cytogenetic location: 2q14.2.
Variant type: single nucleotide variant.
Coding change: c.3093G>A on transcript NM_001374353.1 (MANE Select); coding-DNA position 3093, G replaced by A.
Protein change: p.Gly1031=; no amino-acid change (glycine 1031 retained).
Molecular consequence: synonymous variant.
Genome position (GRCh38, 1-based): chr2:120,989,058, G>A. VCF-style: chr2-120989058-G-A. GRCh37 (hg19) VCF-style: chr2-121746634-G-A.
Other names: c.3144G>A, p.Gly1048= (NM_001371271.1, NM_005270.5); c.2718G>A, p.Gly906= (NM_001374354.1).
Identifiers: ClinVar variation 4083698 (VCV004083698.8).